The following is an entry in ClinVar:

ClinVar aggregate classification (germline): Likely benign. Review status: criteria provided, multiple submitters, no conflicts (2 of 4 stars). 2 submissions from 2 submitters: Likely benign (2). Last evaluated 2025-09-08.

Conditions:
Dystonia 12 (DYT12). Also called: DYT-ATP1A3; Rapid-Onset Dystonia-Parkinsonism (RDP). Identifiers: Orphanet 71517, MedGen C1868681, MONDO:0007496, OMIM 128235.

Allele frequency attached by ClinVar (database versions not stated): gnomAD exomes below 0.00001.
gnomAD v4.1: 6 of 1,614,222 alleles (0.00037%); highest among the groups gnomAD compares: South Asian, 0.0033%; no homozygotes.

Submissions (2):

Mayo Clinic Laboratories, Mayo Clinic
Classification: Likely benign. Last evaluated: 2025-09-08. Review status: criteria provided, single submitter. Criteria: ACMG Guidelines, 2015. Collection method: clinical testing. Allele origin: germline. Observed: 1 variant allele.
Comment: BP4, BP7

Labcorp Genetics (formerly Invitae), Labcorp
Classification: Likely benign for Dystonia 12. Last evaluated: 2025-08-18. Review status: criteria provided, single submitter. Criteria: Invitae Variant Classification Sherloc (09022015). Collection method: clinical testing. Allele origin: germline.

NM_152296.5(ATP1A3):c.2034C>T (p.Ile678=)

Gene: ATP1A3 (ATPase Na+/K+ transporting subunit alpha 3; minus strand). Cytogenetic location: 19q13.2.
Variant type: single nucleotide variant.
Coding change: c.2034C>T on transcript NM_152296.5 (MANE Select); coding-DNA position 2034, C replaced by T.
Protein change: p.Ile678=; no amino-acid change (isoleucine 678 retained).
Molecular consequence: synonymous variant.
Genome position (GRCh38, 1-based): chr19:41,976,476, G>A on the plus strand (C>T on the coding strand, the complement: ATP1A3 is on the minus strand). VCF-style: chr19-41976476-G-A. GRCh37 (hg19) VCF-style: chr19-42480628-G-A.
Other names: p.Ile678=; c.2067C>T, p.Ile689= (NM_001256213.2); c.2073C>T, p.Ile691= (NM_001256214.2).
Identifiers: ClinVar variation 1671724 (VCV001671724.9), dbSNP rs2145961533, ClinGen allele CA507585327.